The following is an entry in ClinVar:

NM_001042492.3(NF1):c.6616A>C (p.Thr2206Pro)

Gene: NF1 (neurofibromin 1; plus strand). Cytogenetic location: 17q11.2.
Variant type: single nucleotide variant.
Coding change: c.6616A>C on transcript NM_001042492.3 (MANE Select); coding-DNA position 6616, A replaced by C.
Protein change: p.Thr2206Pro; replaces threonine 2206 with proline.
Molecular consequence: missense variant.
Genome position (GRCh38, 1-based): chr17:31,337,556, A>C. VCF-style: chr17-31337556-A-C. GRCh37 (hg19) VCF-style: chr17-29664574-A-C.
Other names: c.6553A>C, p.Thr2185Pro (NM_000267.4); short protein forms T2206P, T2185P.
Identifiers: ClinVar variation 1754167 (VCV001754167.2), dbSNP rs781167415, ClinGen allele CA399013440.
Genomic context (GRCh38, chr17:31,337,556, plus strand): 5'-TCATTCTCTCCTGGCTCCTATGAGAGAGAGACTTTTGCTTTGACATCCTTGGAAACAGTC[A>C]CAGAAGCTTTGTTGGAGATCATGGAGGTATAGAAGCCAAAATGATAAGAAACTAAGTTAA-3'
Protein context (NP_001035957.1, residues 2196-2216): TFALTSLETV[Thr2206Pro]EALLEIMEAC

ClinVar aggregate classification (germline): Uncertain significance (1 of 4 stars; one submission).

Conditions:
Cardiovascular phenotype. Identifiers: MedGen CN230736.
Hereditary cancer-predisposing syndrome. Also called: Neoplastic Syndromes, Hereditary; Tumor predisposition; Hereditary Cancer Syndrome; Hereditary neoplastic syndrome. Identifiers: Orphanet 140162, MedGen C0027672, MeSH D009386, MONDO:0015356.

Submission:

Ambry Genetics
Classification: Uncertain significance for Cardiovascular phenotype; Hereditary cancer-predisposing syndrome. Last evaluated: 2021-03-16. Review status: criteria provided, single submitter. Criteria: Ambry Variant Classification Scheme 2023. Collection method: clinical testing. Allele origin: germline.
Comment: The p.T2185P variant (also known as c.6553A>C), located in coding exon 42 of the NF1 gene, results from an A to C substitution at nucleotide position 6553. The threonine at codon 2185 is replaced by proline, an amino acid with highly similar properties. This amino acid position is highly conserved in available vertebrate species. In addition, this alteration is predicted to be deleterious by in silico analysis. Since supporting evidence is limited at this time, the clinical significance of this alteration remains unclear.